The following is an entry in ClinVar:

ClinVar aggregate classification (germline): Likely benign (0 of 4 stars; one submission).

Conditions:
MBTPS1-related disorder. Also called: MBTPS1-related condition.

Submission:

PreventionGenetics, part of Exact Sciences
Classification: Likely benign for MBTPS1-related condition. Last evaluated: 2019-10-28. Review status: no assertion criteria provided. Collection method: clinical testing. Allele origin: germline.
Comment: This variant is classified as likely benign based on ACMG/AMP sequence variant interpretation guidelines (Richards et al. 2015 PMID: 25741868, with internal and published modifications).

NM_003791.4(MBTPS1):c.1783-3del

Gene: MBTPS1 (membrane bound transcription factor peptidase, site 1; minus strand). Cytogenetic location: 16q23.3.
Variant type: Deletion.
Coding change: c.1783-3del on transcript NM_003791.4 (MANE Select); 3 bases into the intron before coding-DNA position 1783, one base deleted (T; older notation c.1783-3delT).
Molecular consequence: intron variant.
Genome position (GRCh38, 1-based): chr16:84,070,041, A deleted on the plus strand (T on the coding strand, the reverse complement: MBTPS1 is on the minus strand); the first of 9 consecutive A bases (chr16:84,070,041-84,070,049); deleting any one gives the same sequence. VCF-style (leftmost placement, unchanged base first): chr16-84070040-TA-T. GRCh37 (hg19) VCF-style: chr16-84103645-TA-T.
Identifiers: ClinVar variation 3033142 (VCV003033142.2), dbSNP rs751079150, ClinGen allele CA8201156.